The following is an entry in ClinVar:

ClinVar aggregate classification (germline): Uncertain significance (1 of 4 stars; one submission).

Conditions:
Malignant hyperthermia, susceptibility to, 1 (MHS1). Also called: RYR1-Related Malignant Hyperthermia Susceptibility; Malignant hyperthermia suceptibility 1; Anesthesia related hyperthermia; Malignant hyperpyrexia; Fulminating hyperpyrexia; Pharmacogenic myopathy. Identifiers: Orphanet 423, MedGen C2930980, MONDO:0007783, OMIM 145600.

gnomAD v4.1: 1 of 1,614,018 alleles (0.000062%); highest among the groups gnomAD compares: Middle Eastern, 0.016%; no homozygotes.

Submission:

Color Diagnostics, LLC DBA Color Health
Classification: Uncertain significance for Malignant hyperthermia, susceptibility to, 1. Last evaluated: 2025-06-23. Review status: criteria provided, single submitter. Criteria: ACMG Guidelines, 2015. Collection method: clinical testing. Allele origin: germline.
Comment: This missense variant replaces proline with serine at codon 3645 of the RYR1 protein. Computational prediction is inconclusive regarding the impact of this variant on protein structure and function. To our knowledge, functional studies have not been reported for this variant. This variant has not been reported in individuals affected with RYR1-related disorders in the literature. This variant has not been identified in the general population by the Genome Aggregation Database (gnomAD). The available evidence is insufficient to determine the role of this variant in disease conclusively. Therefore, this variant is classified as a Variant of Uncertain Significance.

NM_000540.3(RYR1):c.10933C>T (p.Pro3645Ser)

Gene: RYR1 (ryanodine receptor 1; plus strand). Cytogenetic location: 19q13.2.
Variant type: single nucleotide variant.
Coding change: c.10933C>T on transcript NM_000540.3 (MANE Select); coding-DNA position 10933, C replaced by T.
Protein change: p.Pro3645Ser; replaces proline 3645 with serine.
Molecular consequence: missense variant.
Genome position (GRCh38, 1-based): chr19:38,528,414, C>T. VCF-style: chr19-38528414-C-T. GRCh37 (hg19) VCF-style: chr19-39019054-C-T.
Other names: c.10918C>T, p.Pro3640Ser (NM_001042723.2); short protein forms P3640S, P3645S.
Identifiers: ClinVar variation 4756838 (VCV004756838.1).